The following is an entry in ClinVar:

ClinVar aggregate classification (germline): Uncertain significance. Review status: criteria provided, multiple submitters, no conflicts (2 of 4 stars). 2 submissions from 2 submitters: Uncertain significance (2). Last evaluated 2025-07-28.

Conditions:
RASopathy. Also called: rasopathies; Noonan spectrum disorder. Identifiers: Orphanet 536391, MedGen C5555857, MONDO:0021060.

Allele frequency attached by ClinVar (database versions not stated): gnomAD exomes below 0.00001.

Submissions (2):

Labcorp Genetics (formerly Invitae), Labcorp
Classification: Uncertain significance for RASopathy. Last evaluated: 2025-07-28. Review status: criteria provided, single submitter. Criteria: Invitae Variant Classification Sherloc (09022015). Collection method: clinical testing. Allele origin: germline.
Comment: This sequence change replaces isoleucine, which is neutral and non-polar, with valine, which is neutral and non-polar, at codon 241 of the SHOC2 protein (p.Ile241Val). This variant is not present in population databases (gnomAD no frequency). This variant has not been reported in the literature in individuals affected with SHOC2-related conditions. ClinVar contains an entry for this variant (Variation ID: 2412937). Invitae Evidence Modeling of protein sequence and biophysical properties (such as structural, functional, and spatial information, amino acid conservation, physicochemical variation, residue mobility, and thermodynamic stability) indicates that this missense variant is not expected to disrupt SHOC2 protein function with a negative predictive value of 80%. In summary, the available evidence is currently insufficient to determine the role of this variant in disease. Therefore, it has been classified as a Variant of Uncertain Significance.

GeneDx
Classification: Uncertain significance. Last evaluated: 2022-07-30. Review status: criteria provided, single submitter. Criteria: GeneDx Variant Classification Process June 2021. Collection method: clinical testing. Allele origin: germline. Affected: yes.
Comment: Not observed at significant frequency in large population cohorts (gnomAD); In silico analysis supports that this missense variant does not alter protein structure/function; Has not been previously published as pathogenic or benign to our knowledge

NM_007373.4(SHOC2):c.721A>G (p.Ile241Val)

Gene: SHOC2 (SHOC2 leucine rich repeat scaffold protein; plus strand). Cytogenetic location: 10q25.2.
Variant type: single nucleotide variant.
Coding change: c.721A>G on transcript NM_007373.4 (MANE Select); coding-DNA position 721, A replaced by G.
Protein change: p.Ile241Val; replaces isoleucine 241 with valine.
Molecular consequence: missense variant. On other transcripts: non-coding transcript variant (1), intron variant (1).
Genome position (GRCh38, 1-based): chr10:110,985,645, A>G. VCF-style: chr10-110985645-A-G. GRCh37 (hg19) VCF-style: chr10-112745403-A-G.
Other names: c.721A>G, p.Ile241Val (NM_001324336.2, NM_001324337.2); c.704-14770A>G (NM_001269039.3); short protein forms I241V.
Identifiers: ClinVar variation 2412937 (VCV002412937.6), dbSNP rs2493891043, ClinGen allele CA378391334.